The following is an entry in ClinVar:

NM_006231.4(POLE):c.3874A>T (p.Arg1292Trp)

Gene: POLE (DNA polymerase epsilon, catalytic subunit; minus strand). Cytogenetic location: 12q24.33.
Variant type: single nucleotide variant.
Coding change: c.3874A>T on transcript NM_006231.4 (MANE Select); coding-DNA position 3874, A replaced by T.
Protein change: p.Arg1292Trp; replaces arginine 1292 with tryptophan.
Molecular consequence: missense variant.
Genome position (GRCh38, 1-based): chr12:132,649,437, T>A on the plus strand (A>T on the coding strand, the complement: POLE is on the minus strand). VCF-style: chr12-132649437-T-A. GRCh37 (hg19) VCF-style: chr12-133226023-T-A.
Other names: short protein forms R1292W.
Identifiers: ClinVar variation 2736069 (VCV002736069.3), dbSNP rs2138608488, ClinGen allele CA387385315.

ClinVar aggregate classification (germline): Uncertain significance (1 of 4 stars; one submission).

Submission:

Labcorp Genetics (formerly Invitae), Labcorp
Classification: Uncertain significance. Last evaluated: 2023-07-06. Review status: criteria provided, single submitter. Criteria: Invitae Variant Classification Sherloc (09022015). Collection method: clinical testing. Allele origin: germline.
Comment: In summary, the available evidence is currently insufficient to determine the role of this variant in disease. Therefore, it has been classified as a Variant of Uncertain Significance. An algorithm developed to predict the effect of missense changes on protein structure and function (PolyPhen-2) suggests that this variant is likely to be disruptive. This variant has not been reported in the literature in individuals affected with POLE-related conditions. This variant is not present in population databases (gnomAD no frequency). This sequence change replaces arginine, which is basic and polar, with tryptophan, which is neutral and slightly polar, at codon 1292 of the POLE protein (p.Arg1292Trp).